The following is an entry in ClinVar:

NM_000038.6(APC):c.2307_2308insAA (p.Ser770fs)

Gene: APC (APC regulator of Wnt signaling pathway; plus strand). Cytogenetic location: 5q22.2.
Variant type: Insertion.
Coding change: c.2307_2308insAA on transcript NM_000038.6 (MANE Select); coding-DNA positions 2307 to 2308, AA inserted.
Protein change: p.Ser770fs; shifts the reading frame from serine 770.
Molecular consequence: frameshift variant.
Genome position: GRCh38 VCF-style: chr5-112837900-T-TAA. GRCh37 (hg19) VCF-style: chr5-112173597-T-TAA.
Other names: c.2391_2392insAA, p.Ser798Asnfs (NM_001407446.1); c.2361_2362insAA, p.Ser788Asnfs (NM_001407447.1, NM_001407448.1, NM_001407449.1); c.2307_2308insAA, p.Ser770Asnfs (NM_001407450.1); c.2286_2287insAA, p.Ser763Asnfs (NM_001407451.1); c.2277_2278insAA, p.Ser760Asnfs (NM_001407452.1); c.2130_2131insAA, p.Ser711Asnfs (NM_001407453.1); c.2058_2059insAA, p.Ser687Asnfs (NM_001407454.1, NM_001407455.1, NM_001407456.1 and 1 more transcripts); c.2004_2005insAA, p.Ser669Asnfs (NM_001407458.1, NM_001407459.1, NM_001407460.1); and 16 more; short protein forms S669fs, S679fs, S745fs, S644fs, S711fs, S487fs, S742fs, S752fs.
Identifiers: ClinVar variation 1789363 (VCV001789363.2), dbSNP rs2533411265, ClinGen allele CA2580072549.

ClinVar aggregate classification (germline): Pathogenic (1 of 4 stars; one submission).

Conditions:
Hereditary cancer-predisposing syndrome. Also called: Hereditary Cancer Syndrome; Hereditary neoplastic syndrome; Tumor predisposition; Neoplastic Syndromes, Hereditary. Identifiers: Orphanet 140162, MedGen C0027672, MeSH D009386, MONDO:0015356.

Submission:

Ambry Genetics
Classification: Pathogenic for Hereditary cancer-predisposing syndrome. Last evaluated: 2019-12-27. Review status: criteria provided, single submitter. Criteria: Ambry Variant Classification Scheme 2023. Collection method: clinical testing. Allele origin: germline.
Comment: The c.2307_2308insAA pathogenic mutation, located in coding exon 15 of the APC gene, results from an insertion of two nucleotides at position 2307, causing a translational frameshift with a predicted alternate stop codon (p.S770Nfs*8). This alteration is expected to result in loss of function by premature protein truncation. As such, this alteration is interpreted as a disease-causing mutation.